The following is an entry in ClinVar:

ClinVar aggregate classification (germline): Conflicting classifications of pathogenicity. Review status: criteria provided, conflicting classifications (1 of 4 stars). 3 submissions from 3 submitters: Uncertain significance (2); Likely benign (1). Last evaluated 2024-04-25.

Conditions:
Donnai-Barrow syndrome. Also called: DBS/FOAR SYNDROME; FACIOOCULOACOUSTICORENAL SYNDROME. Identifiers: Orphanet 2143, MedGen C1857277, MONDO:0009104, OMIM 222448.

Allele frequency attached by ClinVar (database versions not stated): gnomAD 0.00001; TOPMed 0.00002; gnomAD exomes 0.00006.
gnomAD v4.1: 91 of 1,612,188 alleles (0.0056%); highest among the groups gnomAD compares: Non-Finnish European, 0.0075%; no homozygotes.

Submissions (3):

Fulgent Genetics
Classification: Uncertain significance for Donnai-Barrow syndrome. Last evaluated: 2024-04-25. Review status: criteria provided, single submitter. Criteria: ACMG Guidelines, 2015. Collection method: clinical testing. Allele origin: germline.

Blueprint Genetics
Classification: Likely benign. Last evaluated: 2023-05-30. Review status: criteria provided, single submitter. Criteria: ACMG Guidelines, 2015. Collection method: clinical testing. Allele origin: germline.

Labcorp Genetics (formerly Invitae), Labcorp
Classification: Uncertain significance. Last evaluated: 2022-03-04. Review status: criteria provided, single submitter. Criteria: Invitae Variant Classification Sherloc (09022015). Collection method: clinical testing. Allele origin: germline.
Comment: This sequence change falls in intron 49 of the LRP2 gene. It does not directly change the encoded amino acid sequence of the LRP2 protein. It affects a nucleotide within the consensus splice site. This variant is present in population databases (no rsID available, gnomAD 0.002%). This variant has not been reported in the literature in individuals affected with LRP2-related conditions. Variants that disrupt the consensus splice site are a relatively common cause of aberrant splicing (PMID: 17576681, 9536098). Algorithms developed to predict the effect of sequence changes on RNA splicing suggest that this variant is not likely to affect RNA splicing. In summary, the available evidence is currently insufficient to determine the role of this variant in disease. Therefore, it has been classified as a Variant of Uncertain Significance.

Literature cited by the submitters: PubMed 17576681 (cited by Labcorp Genetics (formerly Invitae), Labcorp); PubMed 9536098 (cited by Labcorp Genetics (formerly Invitae), Labcorp).

NM_004525.3(LRP2):c.9329-3C>T

Gene: LRP2 (LDL receptor related protein 2; minus strand). Cytogenetic location: 2q31.1.
Variant type: single nucleotide variant.
Coding change: c.9329-3C>T on transcript NM_004525.3 (MANE Select); 3 bases into the intron before coding-DNA position 9329, C replaced by T.
Molecular consequence: intron variant.
Genome position (GRCh38, 1-based): chr2:169,186,022, G>A on the plus strand (C>T on the coding strand, the complement: LRP2 is on the minus strand). VCF-style: chr2-169186022-G-A. GRCh37 (hg19) VCF-style: chr2-170042532-G-A.
Identifiers: ClinVar variation 1957546 (VCV001957546.4), dbSNP rs1011012202, ClinGen allele CA59916932.